The following is an entry in ClinVar:

ClinVar aggregate classification (germline): Benign (1 of 4 stars; one submission).

Conditions:
Isolated Nonsyndromic Congenital Heart Disease.

Allele frequency attached by ClinVar (database versions not stated): gnomAD exomes 0.00001; ExAC 0.00002.
gnomAD v4.1: 8 of 1,602,526 alleles (0.0005%); highest among the groups gnomAD compares: Non-Finnish European, 0.00068%; no homozygotes.

Submission:

Illumina Laboratory Services, Illumina
Classification: Benign for Isolated Nonsyndromic Congenital Heart Disease. Last evaluated: 2018-03-26. Review status: criteria provided, single submitter. Criteria: ICSL Variant Classification Criteria 13 December 2019. Collection method: clinical testing. Allele origin: germline.
Comment: This variant was observed in the ICSL laboratory as part of a predisposition screen in an ostensibly healthy population. It had not been previously curated by ICSL or reported in the Human Gene Mutation Database (HGMD: prior to June 1st, 2018), and was therefore a candidate for classification through an automated scoring system. Utilizing variant allele frequency, disease prevalence and penetrance estimates, and inheritance mode, an automated score was calculated to assess if this variant is too frequent to cause the disease. Based on the score and internal cut-off values, a variant classified as benign is not then subjected to further curation. The score for this variant resulted in a classification of benign for this disease.

NM_000214.3(JAG1):c.755+15C>T

Gene: JAG1 (jagged canonical Notch ligand 1; minus strand). Cytogenetic location: 20p12.2.
Variant type: single nucleotide variant.
Coding change: c.755+15C>T on transcript NM_000214.3 (MANE Select); 15 bases into the intron after coding-DNA position 755, C replaced by T.
Molecular consequence: intron variant.
Genome position (GRCh38, 1-based): chr20:10,656,383, G>A on the plus strand (C>T on the coding strand, the complement: JAG1 is on the minus strand). VCF-style: chr20-10656383-G-A. GRCh37 (hg19) VCF-style: chr20-10637031-G-A.
Identifiers: ClinVar variation 897757 (VCV000897757.4), dbSNP rs761987251, ClinGen allele CA9765067.
Genomic context (GRCh38, chr20:10,656,383, plus strand): 5'-AGTCACAATAAAGTCAGTTCCTCTCTTACATAAAGGAAAATTAAAAGAAATCTCACAAAA[G>A]ACCAGTTGATTTACCTGCAGTCACCTGGGAGTTTGCAAGACCCATGCTTAGGACTGCAGC-3'